The following is an entry in ClinVar:

NM_021975.4(RELA):c.1030C>G (p.Pro344Ala)

Gene: RELA (RELA proto-oncogene, NF-kB subunit; minus strand). Cytogenetic location: 11q13.1.
Variant type: single nucleotide variant.
Coding change: c.1030C>G on transcript NM_021975.4 (MANE Select); coding-DNA position 1030, C replaced by G.
Protein change: p.Pro344Ala; replaces proline 344 with alanine.
Molecular consequence: missense variant.
Genome position (GRCh38, 1-based): chr11:65,655,691, G>C on the plus strand (C>G on the coding strand, the complement: RELA is on the minus strand). VCF-style: chr11-65655691-G-C. GRCh37 (hg19) VCF-style: chr11-65423162-G-C.
Other names: c.1030C>G, p.Pro344Ala (NM_001243984.2, NM_001243985.2); c.1063C>G, p.Pro355Ala (NM_001404657.1); c.1003C>G, p.Pro335Ala (NM_001404658.1); c.817C>G, p.Pro273Ala (NM_001404659.1); c.712C>G, p.Pro238Ala (NM_001404660.1); c.649C>G, p.Pro217Ala (NM_001404661.1); c.937C>G, p.Pro313Ala (NM_001404662.1, NM_001404663.1); c.1021C>G, p.Pro341Ala (NM_001145138.2); short protein forms P217A, P273A, P355A, P238A, P335A, P313A, P341A, P344A.
Identifiers: ClinVar variation 3679615 (VCV003679615.2).

ClinVar aggregate classification (germline): Uncertain significance (1 of 4 stars; one submission).

Submission:

Labcorp Genetics (formerly Invitae), Labcorp
Classification: Uncertain significance. Last evaluated: 2025-01-29. Review status: criteria provided, single submitter. Criteria: Invitae Variant Classification Sherloc (09022015). Collection method: clinical testing. Allele origin: germline.
Comment: This sequence change replaces proline, which is neutral and non-polar, with alanine, which is neutral and non-polar, at codon 344 of the RELA protein (p.Pro344Ala). This variant is present in population databases (rs771045696, gnomAD 0.0009%). This variant has not been reported in the literature in individuals affected with RELA-related conditions. An algorithm developed to predict the effect of missense changes on protein structure and function (PolyPhen-2) suggests that this variant is likely to be tolerated. In summary, the available evidence is currently insufficient to determine the role of this variant in disease. Therefore, it has been classified as a Variant of Uncertain Significance.